The following is an entry in ClinVar:

NM_032806.6(POMGNT2):c.261C>T (p.Ser87=)

Gene: POMGNT2 (protein O-linked mannose N-acetylglucosaminyltransferase 2 (beta 1,4-); minus strand). Cytogenetic location: 3p22.1.
Variant type: single nucleotide variant.
Coding change: c.261C>T on transcript NM_032806.6 (MANE Select); coding-DNA position 261, C replaced by T.
Protein change: p.Ser87=; no amino-acid change (serine 87 retained).
Molecular consequence: synonymous variant.
Genome position (GRCh38, 1-based): chr3:43,081,171, G>A on the plus strand (C>T on the coding strand, the complement: POMGNT2 is on the minus strand). VCF-style: chr3-43081171-G-A. GRCh37 (hg19) VCF-style: chr3-43122663-G-A.
Identifiers: ClinVar variation 751930 (VCV000751930.13), dbSNP rs1575463050, ClinGen allele CA433354769.

ClinVar aggregate classification (germline): Likely benign. Review status: criteria provided, multiple submitters, no conflicts (2 of 4 stars). 2 submissions from 2 submitters: Likely benign (2). Last evaluated 2025-10-01.

Conditions:
Muscular dystrophy-dystroglycanopathy (congenital with brain and eye anomalies), type a, 8 (MDDGA8). Also called: WALKER-WARBURG SYNDROME OR MUSCLE-EYE-BRAIN DISEASE, GTDC2-RELATED. Identifiers: Orphanet 899, MedGen C3553813, MONDO:0013904, OMIM 614830.

Allele frequency attached by ClinVar (database versions not stated): gnomAD exomes 0.00001; TOPMed 0.00001.

Submissions (2):

CeGaT Center for Human Genetics Tuebingen
Classification: Likely benign. Last evaluated: 2025-10-01. Review status: criteria provided, single submitter. Criteria: CeGaT Center For Human Genetics Tuebingen Variant Classification Criteria Version 2. Collection method: clinical testing. Allele origin: germline. Affected: yes. Observed: 1 variant allele.
Comment: POMGNT2: BP4, BP7

Labcorp Genetics (formerly Invitae), Labcorp
Classification: Likely benign for Muscular dystrophy-dystroglycanopathy (congenital with brain and eye anomalies), type a, 8. Last evaluated: 2022-08-20. Review status: criteria provided, single submitter. Criteria: Invitae Variant Classification Sherloc (09022015). Collection method: clinical testing. Allele origin: germline.